The following is an entry in ClinVar:

NM_004329.3(BMPR1A):c.334-12C>G

Gene: BMPR1A (bone morphogenetic protein receptor type 1A; plus strand). Cytogenetic location: 10q23.2.
Variant type: single nucleotide variant.
Coding change: c.334-12C>G on transcript NM_004329.3 (MANE Select); 12 bases into the intron before coding-DNA position 334, C replaced by G.
Molecular consequence: intron variant.
Genome position (GRCh38, 1-based): chr10:86,899,782, C>G. VCF-style: chr10-86899782-C-G. GRCh37 (hg19) VCF-style: chr10-88659539-C-G.
Other names: c.334-12C>G (NM_001406562.1, NM_001406568.1, NM_001406567.1 and 22 more transcripts); c.250-12C>G (NM_001406584.1, NM_001406588.1, NM_001406587.1 and 2 more transcripts); c.333+7553C>G (NM_001406589.1).
Identifiers: ClinVar variation 3653182 (VCV003653182.2).

ClinVar aggregate classification (germline): Uncertain significance (1 of 4 stars; one submission).

Conditions:
Juvenile polyposis syndrome (JPS). Identifiers: Orphanet 2929, MedGen C0345893, MONDO:0017380, OMIM 174900.

Submission:

Labcorp Genetics (formerly Invitae), Labcorp
Classification: Uncertain significance for Juvenile polyposis syndrome. Last evaluated: 2024-05-13. Review status: criteria provided, single submitter. Criteria: Invitae Variant Classification Sherloc (09022015). Collection method: clinical testing. Allele origin: germline.
Comment: This sequence change falls in intron 5 of the BMPR1A gene. It does not directly change the encoded amino acid sequence of the BMPR1A protein. This variant is not present in population databases (gnomAD no frequency). This variant has not been reported in the literature in individuals affected with BMPR1A-related conditions. Algorithms developed to predict the effect of sequence changes on RNA splicing suggest that this variant may disrupt the consensus splice site. In summary, the available evidence is currently insufficient to determine the role of this variant in disease. Therefore, it has been classified as a Variant of Uncertain Significance.